The following continues an entry in ClinVar:

NM_007194.4(CHEK2):c.542G>A (p.Arg181His)

Gene: CHEK2. ClinVar aggregate classification (germline): Conflicting classifications of pathogenicity. Uncertain significance (9); Benign (1); Likely benign (11).

Submissions 13 to 25 of 25:

Color Diagnostics, LLC DBA Color Health
Classification: Likely benign for Hereditary cancer-predisposing syndrome. Last evaluated: 2021-02-17. Review status: criteria provided, single submitter. Criteria: ACMG Guidelines, 2015. Collection method: clinical testing. Allele origin: germline.

GeneDx
Classification: Likely benign. Last evaluated: 2021-02-10. Review status: criteria provided, single submitter. Criteria: GeneDx Variant Classification Process June 2021. Collection method: clinical testing. Allele origin: germline. Affected: yes.
Comment: In silico analysis, which includes protein predictors and evolutionary conservation, supports that this variant does not alter protein structure/function; This variant is associated with the following publications: (PMID: 25525159, 29700634, 31118792, 21744992, 15095295, 12533788, 23334666, 26506619, 28055978, 27720647, 28418444, 16982735, 22419737, 30067863, 21059199, 16835864, 29752822, 28580595, 30851065, 31050813, 30287823, 29520813, 31056747, 32906215)

CeGaT Center for Human Genetics Tuebingen
Classification: Likely benign. Last evaluated: 2020-09-01. Review status: criteria provided, single submitter. Criteria: CeGaT Center For Human Genetics Tuebingen Variant Classification Criteria Version 2. Collection method: clinical testing. Allele origin: germline. Affected: yes. Observed: 2 variant alleles.

Baylor Genetics
Classification: Uncertain significance for CHEK2-related cancer predisposition. Last evaluated: 2019-05-28. Review status: criteria provided, single submitter. Criteria: ACMG Guidelines, 2015. Collection method: clinical testing. Allele origin: maternal. Affected: yes. Study: CSER-TexasKidsCanSeq.
Comment: This variant was determined to be of uncertain significance according to ACMG Guidelines, 2015 [PMID:25741868].

Cancer Genomics Group, Japanese Foundation For Cancer Research
Classification: Uncertain significance for Hereditary breast and ovarian cancer syndrome. Last evaluated: 2019-05-01. Review status: criteria provided, single submitter. Criteria: ACMG Guidelines, 2015. Collection method: research. Allele origin: germline. Affected: yes.

Fulgent Genetics
Classification: Uncertain significance for Familial cancer of breast; Familial prostate cancer; Bone osteosarcoma; CHEK2-related cancer predisposition. Last evaluated: 2018-10-31. Review status: criteria provided, single submitter. Criteria: ACMG Guidelines, 2015. Collection method: clinical testing. Allele origin: unknown.

Mendelics
Classification: Uncertain significance for Familial cancer of breast. Last evaluated: 2018-07-02. Review status: criteria provided, single submitter. Criteria: Mendelics Assertion Criteria 2017. Collection method: clinical testing. Allele origin: unknown.

Illumina Laboratory Services, Illumina
Classification: Uncertain significance for CHEK2-Related Cancer Susceptibility. Last evaluated: 2017-04-27. Review status: criteria provided, single submitter. Criteria: ICSL Variant Classification Criteria 13 December 2019. Collection method: clinical testing. Allele origin: germline.

Dipartimento Di Medicina Di Precisione, Università Degli Studi Della Campania Luigi Vanvitelli
Classification: Benign for Breast-ovarian cancer, familial, susceptibility to, 2. Review status: criteria provided, single submitter. Criteria: ACMG Guidelines, 2015. Collection method: clinical testing. Allele origin: germline. Inheritance: Autosomal dominant inheritance. Affected: yes. Observed: 1 heterozygote.
Comment: The missense variant c.542G>A (p.Arg181His) in CHEK2, located in exon 4, results in the substitution of arginine with histidine. Initially classified as a Variant of Uncertain Significance (VUS), this variant has been reclassified as benign based on in silico prediction tools indicating a likely tolerated impact on protein function.

Counsyl
Classification: Uncertain significance for Familial cancer of breast. Last evaluated: 2016-04-28. Review status: no assertion criteria provided. Collection method: clinical testing. Allele origin: unknown. Not counted in ClinVar's aggregate classification.

OMIM
Classification: Uncertain significance for RECLASSIFIED - VARIANT OF UNKNOWN SIGNIFICANCE. Last evaluated: 2003-02-01. Review status: no assertion criteria provided. Collection method: literature only. Allele origin: germline. Not counted in ClinVar's aggregate classification.

Department of Pathology and Laboratory Medicine, Sinai Health System
Classification: Uncertain significance for Malignant tumor of breast. Review status: no assertion criteria provided. Collection method: clinical testing. Allele origin: unknown. Affected: yes. Study: The Canadian Open Genetics Repository (COGR). Not counted in ClinVar's aggregate classification.
Comment: The CHEK2 p.Arg181His variant was identified in 4 of 3908 proband chromosomes (frequency: 0.001) from individuals with non-hodgkins lymphoma, neuroblastoma, breast and prostate cancer and was not identified in 2736 control chromosomes from healthy individuals (Dong 2003,Pugh 2013, Dufault 2004, Havranek 2015). The variant was identified in dbSNP (rs121908701) as â€šÃ„Ãºwith pathogenic alleleâ€šÃ„Ã¹, in ClinVar (interpreted as "uncertain significance" by Invitae, Color and 6 others, "pathogenic" by OMIM and not provided 1 other). The variant was identified in control databases in 34 of 277,176 chromosomes (1 homozygous) at a frequency of 0.0001 increasing the likelihood this could be a low frequency benign variant (Genome Aggregation Database Feb 27, 2017). The variant was observed in the following populations: African in 1 of 24,026 chromosomes (freq: 0.00004), Latino in 1 of 34,420 chromosomes (freq: 0.00003), European in 3 of 126,676 chromosomes (freq: 0.00002), East Asian in 25 of 18,864 chromosomes (freq: 0.001), and South Asian in 4 of 30,782 chromosomes (freq: 0.0001). The variant was not observed in the Other, Ashkenazi Jewish and Finnish, populations. The variant is located within the Forkhead Associate Domain, but further studies are required to determine if it affects protein function. The p.Arg181His residue is not conserved in mammals and four out of five computational analyses (PolyPhen-2, SIFT, AlignGVGD, BLOSUM, MutationTaster) do not suggest a high likelihood of impact to the protein; however, this information is not predictive enough to rule out pathogenicity. The variant occurs outside of the splicing consensus sequence and in silico or computational prediction software programs (SpliceSiteFinder, MaxEntScan, NNSPLICE, GeneSplicer) do not predict a difference in splicing. In summary, based on the above information the clinical significance of this variant cannot be determined with certainty at this time. This variant is classified as a variant of uncertain significance.

Institute. of Biochemistry and Experimental Oncology, First Faculty of Medicine, Charles University in Prague
No classification provided. Review status: no classification provided. Collection method: not provided. Allele origin: germline. Not counted in ClinVar's aggregate classification.
Comment: Characterized in 1 out of 400 prostatic cancer patients, 1 out of 516 breast cancer patients and in 1 out of 340 Non-Hodgkin lymphoma patients.

Literature cited by the submitters: PubMed 31050813 (cited by 3 submitters); PubMed 30851065 (cited by 4 submitters); PubMed 33471991 (cited by Quest Diagnostics Nichols Institute San Juan Capistrano); PubMed 34326862 (cited by Quest Diagnostics Nichols Institute San Juan Capistrano); PubMed 35264596 (cited by Quest Diagnostics Nichols Institute San Juan Capistrano); PubMed 29752822 (cited by Quest Diagnostics Nichols Institute San Juan Capistrano and Sema4); PubMed 36243179 (cited by Quest Diagnostics Nichols Institute San Juan Capistrano); PubMed 37449874 (cited by Quest Diagnostics Nichols Institute San Juan Capistrano); PubMed 32906215 (cited by 3 submitters); PubMed 34903604 (cited by 3 submitters); PubMed 30826992 (cited by Quest Diagnostics Nichols Institute San Juan Capistrano and Sema4); PubMed 38378842 (cited by Quest Diagnostics Nichols Institute San Juan Capistrano); PubMed 39642869 (cited by Quest Diagnostics Nichols Institute San Juan Capistrano); PubMed 30287823 (cited by 3 submitters); PubMed 29520813 (cited by Quest Diagnostics Nichols Institute San Juan Capistrano and Sema4); PubMed 12533788 (cited by 6 submitters); PubMed 23334666 (cited by 5 submitters); PubMed 25525159 (cited by Quest Diagnostics Nichols Institute San Juan Capistrano and Counsyl); PubMed 15095295 (cited by 5 submitters); PubMed 21744992 (cited by 4 submitters); PubMed 26506619 (cited by 4 submitters); PubMed 16982735 (cited by Quest Diagnostics Nichols Institute San Juan Capistrano); PubMed 33309985 (cited by Women's Health and Genetics/Laboratory Corporation of America, LabCorp); PubMed 35643632 (cited by Women's Health and Genetics/Laboratory Corporation of America, LabCorp); PubMed 33179747 (cited by Women's Health and Genetics/Laboratory Corporation of America, LabCorp); PubMed 16835864 (cited by Ambry Genetics); PubMed 21059199 (cited by Ambry Genetics); PubMed 22419737 (cited by Ambry Genetics); DOI 10.1515/cclm-2012-0154 (cited by Dipartimento Di Medicina Di Precisione, Università Degli Studi Della Campania Luigi Vanvitelli).